The following is an entry in ClinVar:

ClinVar aggregate classification (germline): Benign. Review status: criteria provided, multiple submitters, no conflicts (2 of 4 stars). 4 submissions from 4 submitters: Benign (4). Last evaluated 2021-07-10.

Conditions:
Bilateral frontoparietal polymicrogyria. Also called: CEREBELLAR ATAXIA WITH NEURONAL MIGRATION DEFECT; CORTICAL DYSPLASIA, COMPLEX, WITH OTHER BRAIN MALFORMATIONS 14A (BILATERAL FRONTOPARIETAL). Identifiers: Orphanet 101070, MedGen C1847352, MONDO:0011738, OMIM 606854.

Allele frequency attached by ClinVar (database versions not stated): gnomAD 0.49555 and 0.50406; TOPMed 0.52135; 1000 Genomes Project 30x 0.56699; 1000 Genomes Project 0.57368.
gnomAD v4.1: 812,402 of 1,542,072 alleles (53%); highest among the groups gnomAD compares: East Asian, 77%; 217,854 homozygotes.

Submissions (4):

Genome-Nilou Lab
Classification: Benign for Bilateral frontoparietal polymicrogyria. Last evaluated: 2021-07-10. Review status: criteria provided, single submitter. Criteria: ACMG Guidelines, 2015. Collection method: clinical testing. Allele origin: germline. Affected: no.

GeneDx
Classification: Benign. Last evaluated: 2018-06-26. Review status: criteria provided, single submitter. Criteria: GeneDx Variant Classification Process June 2021. Collection method: clinical testing. Allele origin: germline. Affected: yes.

Illumina Laboratory Services, Illumina
Classification: Benign for Bilateral frontoparietal polymicrogyria. Last evaluated: 2018-01-13. Review status: criteria provided, single submitter. Criteria: ICSL Variant Classification Criteria 13 December 2019. Collection method: clinical testing. Allele origin: germline.
Comment: This variant was observed in the ICSL laboratory as part of a predisposition screen in an ostensibly healthy population. It had not been previously curated by ICSL or reported in the Human Gene Mutation Database (HGMD: prior to June 1st, 2018), and was therefore a candidate for classification through an automated scoring system. Utilizing variant allele frequency, disease prevalence and penetrance estimates, and inheritance mode, an automated score was calculated to assess if this variant is too frequent to cause the disease. Based on the score and internal cut-off values, a variant classified as benign is not then subjected to further curation. The score for this variant resulted in a classification of benign for this disease.

Breakthrough Genomics
Classification: Benign. Review status: criteria provided, single submitter. Criteria: ACMG Guidelines, 2015. Collection method: not provided. Allele origin: germline. Inheritance: Autosomal recessive inheritance. Affected: yes.

NM_201525.4(ADGRG1):c.*74C>A

Gene: ADGRG1 (adhesion G protein-coupled receptor G1; plus strand). Cytogenetic location: 16q21.
Variant type: single nucleotide variant.
Coding change: c.*74C>A on transcript NM_201525.4 (MANE Select); 74 bases downstream of the stop codon, C replaced by A.
Molecular consequence: 3 prime UTR variant.
Genome position (GRCh38, 1-based): chr16:57,663,656, C>A. VCF-style: chr16-57663656-C-A. GRCh37 (hg19) VCF-style: chr16-57697568-C-A.
Other names: c.*74C>A (NM_001145770.3, NM_001145771.3, NM_001145772.3 and 25 more transcripts).
Identifiers: ClinVar variation 884997 (VCV000884997.11), dbSNP rs10852555, ClinGen allele CA14283802.